The following is an entry in ClinVar:

NM_001371986.1(UNC80):c.8776C>T (p.Leu2926=)

Gene: UNC80 (unc-80 subunit of NALCN channel complex; plus strand). Cytogenetic location: 2q34.
Variant type: single nucleotide variant.
Coding change: c.8776C>T on transcript NM_001371986.1 (MANE Select); coding-DNA position 8776, C replaced by T.
Protein change: p.Leu2926=; no amino-acid change (leucine 2926 retained).
Molecular consequence: synonymous variant.
Genome position (GRCh38, 1-based): chr2:209,976,916, C>T. VCF-style: chr2-209976916-C-T. GRCh37 (hg19) VCF-style: chr2-210841640-C-T.
Other names: c.8578C>T, p.Leu2860= (NM_032504.2); c.8563C>T, p.Leu2855= (NM_182587.4); c.8578C>T (NM_032504.1).
Identifiers: ClinVar variation 2812556 (VCV002812556.5), dbSNP rs1269738110, ClinGen allele CA430994745.

ClinVar aggregate classification (germline): Likely benign. Review status: criteria provided, single submitter (1 of 4 stars). 2 submissions from 2 submitters: Likely benign (1). 1 of the submissions does not count toward it. Last evaluated 2023-04-18.

Conditions:
UNC80-related disorder. Also called: UNC80-related condition.

Allele frequency attached by ClinVar (database versions not stated): gnomAD exomes below 0.00001.
gnomAD v4.1: 1 of 1,510,174 alleles (0.000066%); highest among the groups gnomAD compares: Admixed American, 0.002%; no homozygotes.

Submissions (2):

Labcorp Genetics (formerly Invitae), Labcorp
Classification: Likely benign. Last evaluated: 2023-04-18. Review status: criteria provided, single submitter. Criteria: Invitae Variant Classification Sherloc (09022015). Collection method: clinical testing. Allele origin: germline.

PreventionGenetics, part of Exact Sciences
Classification: Likely benign for UNC80-related condition. Last evaluated: 2020-05-08. Review status: no assertion criteria provided. Collection method: clinical testing. Allele origin: germline. Not counted in ClinVar's aggregate classification.
Comment: This variant is classified as likely benign based on ACMG/AMP sequence variant interpretation guidelines (Richards et al. 2015 PMID: 25741868, with internal and published modifications).